The following is an entry in ClinVar:

ClinVar aggregate classification (germline): Pathogenic/Likely pathogenic. Review status: criteria provided, multiple submitters, no conflicts (2 of 4 stars). 2 submissions from 2 submitters: Pathogenic (1); Likely pathogenic (1). Last evaluated 2026-09-19.

Conditions:
LZTR1-related disorder. Also called: LZTR1-related disorders; LZTR1-related condition.

Submissions (2):

PreventionGenetics, part of Exact Sciences
Classification: Likely pathogenic for LZTR1-related condition. Last evaluated: 2026-09-19. Review status: criteria provided, single submitter. Criteria: ACMG Guidelines, 2015. Collection method: clinical testing. Allele origin: germline.
Comment: The LZTR1 c.2347_2348delAC variant is predicted to result in a frameshift and premature protein termination (p.Thr783Alafs*67). To our knowledge, this variant has not been reported in the literature or in a large population database (gnomAD), indicating this variant is rare. Frameshift variants in LZTR1 are expected to be pathogenic. This variant is interpreted as likely pathogenic.

Labcorp Genetics (formerly Invitae), Labcorp
Classification: Pathogenic. Last evaluated: 2025-06-01. Review status: criteria provided, single submitter. Criteria: Invitae Variant Classification Sherloc (09022015). Collection method: clinical testing. Allele origin: germline.
Comment: This sequence change is expected to alter the c-terminus of the LZTR1 protein (p.Thr783Alafs*67). While this is not anticipated to result in nonsense mediated decay, it is expected to disrupt the last 58 amino acid(s) of the LZTR1 protein and extend the protein by 8 additional amino acid residues. This variant is not present in population databases (gnomAD no frequency). This variant has not been reported in the literature in individuals affected with LZTR1-related conditions. This variant disrupts a region of the LZTR1 protein in which other variant(s) (p.Leu806Trp) have been determined to be pathogenic (internal data). This suggests that this is a clinically significant region of the protein, and that variants that disrupt it are likely to be disease-causing. For these reasons, this variant has been classified as Pathogenic.

NM_006767.4(LZTR1):c.2347_2348del (p.Thr783fs)

Gene: LZTR1 (leucine zipper like post translational regulator 1; plus strand). Cytogenetic location: 22q11.21.
Variant type: Deletion.
Coding change: c.2347_2348del on transcript NM_006767.4 (MANE Select); coding-DNA positions 2347 to 2348, 2 bases deleted (AC; older notation c.2347_2348delAC).
Protein change: p.Thr783fs; shifts the reading frame from threonine 783.
Molecular consequence: frameshift variant.
Genome position (GRCh38, 1-based): chr22:20,996,907-20,996,908, AC deleted. VCF-style (leftmost placement, unchanged base first): chr22-20996906-AAC-A. GRCh37 (hg19) VCF-style: chr22-21351195-AAC-A.
Other names: c.2347_2348delAC (NM_006767.3); short protein forms T783fs.
Identifiers: ClinVar variation 4737886 (VCV004737886.2).